The following is an entry in ClinVar:

ClinVar aggregate classification (germline): Uncertain significance (1 of 4 stars; one submission).

Conditions:
Episodic ataxia type 1 (EA1). Also called: ATAXIA, EPISODIC, WITH MYOKYMIA; Episodic ataxia/myokymia syndrome; MYOKYMIA WITH PERIODIC ATAXIA; PAROXYSMAL ATAXIA WITH NEUROMYOTONIA, HEREDITARY. Identifiers: Orphanet 37612, Orphanet 972, MedGen C1719788, MONDO:0008047, OMIM 160120.

Submission:

Labcorp Genetics (formerly Invitae), Labcorp
Classification: Uncertain significance for Episodic ataxia type 1. Last evaluated: 2021-11-02. Review status: criteria provided, single submitter. Criteria: Invitae Variant Classification Sherloc (09022015). Collection method: clinical testing. Allele origin: germline.
Comment: This variant is not present in population databases (gnomAD no frequency). This sequence change affects the initiator methionine of the KCNA1 mRNA. The next in-frame methionine is located at codon 4. This variant has not been reported in the literature in individuals affected with KCNA1-related conditions. In summary, the available evidence is currently insufficient to determine the role of this variant in disease. Therefore, it has been classified as a Variant of Uncertain Significance. Experimental studies and prediction algorithms are not available or were not evaluated, and the functional significance of this variant is currently unknown. ClinVar contains an entry for this variant (Variation ID: 946822).

NM_000217.3(KCNA1):c.1A>T (p.Met1Leu)

Genes: KCNA1 (potassium voltage-gated channel subfamily A member 1; plus strand), LOC130007218 (ATAC-STARR-seq lymphoblastoid silent region 4155; plus strand). Cytogenetic location: 12p13.32.
Variant type: single nucleotide variant.
Coding change: c.1A>T on transcript NM_000217.3 (MANE Select); coding-DNA position 1, A replaced by T.
Protein change: p.Met1Leu; changes the start codon (methionine 1).
Molecular consequence: missense variant, initiator codon variant.
Genome position (GRCh38, 1-based): chr12:4,911,379, A>T. VCF-style: chr12-4911379-A-T. GRCh37 (hg19) VCF-style: chr12-5020545-A-T.
Other names: short protein forms M1L.
Identifiers: ClinVar variation 946822 (VCV000946822.8), dbSNP rs776861490, ClinGen allele CA383453584.